The following is an entry in ClinVar:

ClinVar aggregate classification (germline): Uncertain significance. Review status: criteria provided, single submitter (1 of 4 stars). 2 submissions from 2 submitters: Uncertain significance (1). 1 of the submissions does not count toward it. Last evaluated 2025-08-21.

Conditions:
Usher syndrome type 2A. Also called: RETINAL DISEASE IN USHER SYNDROME TYPE IIA, MODIFIER OF; USHER SYNDROME, TYPE IIA. Identifiers: Orphanet 231178, Orphanet 886, MedGen C1848634, MONDO:0010169, OMIM 276901.

Allele frequency attached by ClinVar (database versions not stated): TOPMed 0.00002.
gnomAD v4.1: 13 of 1,613,870 alleles (0.00081%); highest among the groups gnomAD compares: African/African-American, 0.004%; 1 homozygote.

Submissions (2):

Labcorp Genetics (formerly Invitae), Labcorp
Classification: Uncertain significance. Last evaluated: 2025-08-21. Review status: criteria provided, single submitter. Criteria: Invitae Variant Classification Sherloc (09022015). Collection method: clinical testing. Allele origin: germline.
Comment: This sequence change replaces serine, which is neutral and polar, with asparagine, which is neutral and polar, at codon 3743 of the USH2A protein (p.Ser3743Asn). This variant is not present in population databases (gnomAD no frequency). This missense change has been observed in individual(s) with retinitis pigmentosa (internal data). ClinVar contains an entry for this variant (Variation ID: 935858). Invitae Evidence Modeling of protein sequence and biophysical properties (such as structural, functional, and spatial information, amino acid conservation, physicochemical variation, residue mobility, and thermodynamic stability) indicates that this missense variant is not expected to disrupt USH2A protein function with a negative predictive value of 95%. In summary, the available evidence is currently insufficient to determine the role of this variant in disease. Therefore, it has been classified as a Variant of Uncertain Significance.

Natera, Inc.
Classification: Uncertain significance for Usher syndrome type 2A. Last evaluated: 2021-07-20. Review status: no assertion criteria provided. Collection method: clinical testing. Allele origin: germline. Not counted in ClinVar's aggregate classification.

NM_206933.4(USH2A):c.11228G>A (p.Ser3743Asn)

Gene: USH2A (usherin; minus strand). Cytogenetic location: 1q41.
Variant type: single nucleotide variant.
Coding change: c.11228G>A on transcript NM_206933.4 (MANE Select); coding-DNA position 11228, G replaced by A.
Protein change: p.Ser3743Asn; replaces serine 3743 with asparagine.
Molecular consequence: missense variant.
Genome position (GRCh38, 1-based): chr1:215,759,663, C>T on the plus strand (G>A on the coding strand, the complement: USH2A is on the minus strand). VCF-style: chr1-215759663-C-T. GRCh37 (hg19) VCF-style: chr1-215933005-C-T.
Other names: short protein forms S3743N.
Identifiers: ClinVar variation 935858 (VCV000935858.6), dbSNP rs112898958, ClinGen allele CA37425959.